The following is an entry in ClinVar:

ClinVar aggregate classification (germline): Pathogenic (1 of 4 stars; one submission).

Submission:

Labcorp Genetics (formerly Invitae), Labcorp
Classification: Pathogenic. Last evaluated: 2024-10-22. Review status: criteria provided, single submitter. Criteria: Invitae Variant Classification Sherloc (09022015). Collection method: clinical testing. Allele origin: germline.
Comment: This sequence change creates a premature translational stop signal (p.Leu312Trpfs*11) in the USH1G gene. It is expected to result in an absent or disrupted protein product. Loss-of-function variants in USH1G are known to be pathogenic (PMID: 12588794, 22219650). This variant is not present in population databases (gnomAD no frequency). This variant has not been reported in the literature in individuals affected with USH1G-related conditions. Algorithms developed to predict the effect of sequence changes on RNA splicing suggest that this variant may create or strengthen a splice site. For these reasons, this variant has been classified as Pathogenic.

Literature cited by the submitters: PubMed 12588794; PubMed 22219650.

NM_173477.5(USH1G):c.934del (p.Leu312fs)

Gene: USH1G (USH1 protein network component sans; minus strand). Cytogenetic location: 17q25.1.
Variant type: Deletion.
Coding change: c.934del on transcript NM_173477.5 (MANE Select); coding-DNA position 934, one base deleted (C; older notation c.934delC).
Protein change: p.Leu312fs; shifts the reading frame from leucine 312.
Molecular consequence: frameshift variant.
Genome position (GRCh38, 1-based): chr17:74,919,902, G deleted on the plus strand (C on the coding strand, the reverse complement: USH1G is on the minus strand); the first of 2 consecutive G bases (chr17:74,919,902-74,919,903); deleting either gives the same sequence. VCF-style (leftmost placement, unchanged base first): chr17-74919901-AG-A. GRCh37 (hg19) VCF-style: chr17-72915996-AG-A.
Other names: c.625del, p.Leu209fs (NM_001282489.3); short protein forms L209fs, L312fs.
Identifiers: ClinVar variation 3723569 (VCV003723569.2).